The following is an entry in ClinVar:

ClinVar aggregate classification (germline): Uncertain significance. Review status: criteria provided, multiple submitters, no conflicts (2 of 4 stars). 2 submissions from 2 submitters: Uncertain significance (2). Last evaluated 2025-11-18.

Conditions:
Primary ciliary dyskinesia. Also called: Ciliary dyskinesia. Identifiers: Orphanet 244, MedGen C0008780, MONDO:0016575, HP:0012265.
Primary ciliary dyskinesia 15. Also called: CILIARY DYSKINESIA, PRIMARY, 15, WITH OR WITHOUT SITUS INVERSUS. Identifiers: Orphanet 244, MedGen C3151137, MONDO:0013435, OMIM 613808.

Allele frequency attached by ClinVar (database versions not stated): gnomAD 0.00010 and 0.00012; gnomAD exomes 0.00010 and 0.00020; ExAC 0.00014; ESP Exome Variant Server 0.00016; TOPMed 0.00017.
gnomAD v4.1: 305 of 1,613,938 alleles (0.019%); highest among the groups gnomAD compares: Non-Finnish European, 0.023%; no homozygotes.

Submissions (2):

Labcorp Genetics (formerly Invitae), Labcorp
Classification: Uncertain significance for Primary ciliary dyskinesia. Last evaluated: 2025-11-18. Review status: criteria provided, single submitter. Criteria: Invitae Variant Classification Sherloc (09022015). Collection method: clinical testing. Allele origin: germline.
Comment: This sequence change replaces arginine, which is basic and polar, with tryptophan, which is neutral and slightly polar, at codon 862 of the CCDC40 protein (p.Arg862Trp). This variant is present in population databases (rs201858385, gnomAD 0.02%). This missense change has been observed in individual(s) with primary ciliary dyskinesia (PMID: 31213628). ClinVar contains an entry for this variant (Variation ID: 649795). Invitae Evidence Modeling of protein sequence and biophysical properties (such as structural, functional, and spatial information, amino acid conservation, physicochemical variation, residue mobility, and thermodynamic stability) indicates that this missense variant is not expected to disrupt CCDC40 protein function with a negative predictive value of 80%. In summary, the available evidence is currently insufficient to determine the role of this variant in disease. Therefore, it has been classified as a Variant of Uncertain Significance.

Fulgent Genetics
Classification: Uncertain significance for Primary ciliary dyskinesia 15. Last evaluated: 2022-04-22. Review status: criteria provided, single submitter. Criteria: ACMG Guidelines, 2015. Collection method: clinical testing. Allele origin: unknown.

Literature cited by the submitters: PubMed 31213628 (cited by Labcorp Genetics (formerly Invitae), Labcorp).

NM_017950.4(CCDC40):c.2584C>T (p.Arg862Trp)

Gene: CCDC40 (coiled-coil domain 40 molecular ruler complex subunit; plus strand). Cytogenetic location: 17q25.3.
Variant type: single nucleotide variant.
Coding change: c.2584C>T on transcript NM_017950.4 (MANE Select); coding-DNA position 2584, C replaced by T.
Protein change: p.Arg862Trp; replaces arginine 862 with tryptophan.
Molecular consequence: missense variant.
Genome position (GRCh38, 1-based): chr17:80,087,741, C>T. VCF-style: chr17-80087741-C-T. GRCh37 (hg19) VCF-style: chr17-78061540-C-T.
Other names: c.2584C>T, p.Arg862Trp (NM_001243342.2); short protein forms R862W.
Identifiers: ClinVar variation 649795 (VCV000649795.8), dbSNP rs201858385, ClinGen allele CA8814243.